The following is an entry in ClinVar:

ClinVar aggregate classification (germline): Uncertain significance. Review status: criteria provided, multiple submitters, no conflicts (2 of 4 stars). 6 submissions from 6 submitters: Uncertain significance (6). Last evaluated 2025-12-15.

Conditions:
Hereditary cancer-predisposing syndrome. Also called: Tumor predisposition; Neoplastic Syndromes, Hereditary; Hereditary Cancer Syndrome; Hereditary neoplastic syndrome. Identifiers: Orphanet 140162, MedGen C0027672, MeSH D009386, MONDO:0015356.
Familial adenomatous polyposis 3. Also called: NTHL1-Related Adenomatous Polyposis and Colorectal Cancer; NTHL1-associated polyposis; NTHL1-related attenuated familial adenomatous polyposis; NTHL1 Tumor Syndrome. Identifiers: Orphanet 220460, Orphanet 454840, MedGen C4225157, MONDO:0014630, OMIM 616415.

Allele frequency attached by ClinVar (database versions not stated): ExAC 0.00001; gnomAD exomes 0.00001; gnomAD 0.00002; TOPMed 0.00002; ESP Exome Variant Server 0.00008.

Submissions (6):

Labcorp Genetics (formerly Invitae), Labcorp
Classification: Uncertain significance. Last evaluated: 2025-12-15. Review status: criteria provided, single submitter. Criteria: Invitae Variant Classification Sherloc (09022015). Collection method: clinical testing. Allele origin: germline.
Comment: This sequence change replaces tryptophan, which is neutral and slightly polar, with cysteine, which is neutral and slightly polar, at codon 92 of the NTHL1 protein (p.Trp92Cys). This variant is present in population databases (rs372698989, gnomAD 0.008%). This missense change has been observed in individual(s) with adenomatous polyps (PMID: 37834005). ClinVar contains an entry for this variant (Variation ID: 656073). An algorithm developed to predict the effect of missense changes on protein structure and function (PolyPhen-2) suggests that this variant is likely to be disruptive. In summary, the available evidence is currently insufficient to determine the role of this variant in disease. Therefore, it has been classified as a Variant of Uncertain Significance.

Ambry Genetics
Classification: Uncertain significance for Hereditary cancer-predisposing syndrome. Last evaluated: 2024-09-16. Review status: criteria provided, single submitter. Criteria: Ambry Variant Classification Scheme 2023. Collection method: clinical testing. Allele origin: germline.
Comment: The p.W92C variant (also known as c.276G>C), located in coding exon 2 of the NTHL1 gene, results from a G to C substitution at nucleotide position 276. The tryptophan at codon 92 is replaced by cysteine, an amino acid with highly dissimilar properties. This amino acid position is highly conserved in available vertebrate species. In addition, this alteration is predicted to be deleterious by in silico analysis. Since supporting evidence is limited at this time, the clinical significance of this alteration remains unclear.

Baylor Genetics
Classification: Uncertain significance for Familial adenomatous polyposis 3. Last evaluated: 2024-01-11. Review status: criteria provided, single submitter. Criteria: ACMG Guidelines, 2015. Collection method: clinical testing. Allele origin: unknown.

GeneDx
Classification: Uncertain significance. Last evaluated: 2023-07-18. Review status: criteria provided, single submitter. Criteria: GeneDx Variant Classification Process June 2021. Collection method: clinical testing. Allele origin: germline. Affected: yes.
Comment: Not observed at significant frequency in large population cohorts (gnomAD); In silico analysis supports that this missense variant has a deleterious effect on protein structure/function; Has not been previously published as pathogenic or benign to our knowledge

Quest Diagnostics Nichols Institute San Juan Capistrano
Classification: Uncertain significance. Last evaluated: 2022-12-28. Review status: criteria provided, single submitter. Criteria: Quest Diagnostics criteria. Collection method: clinical testing. Allele origin: unknown.
Comment: The variant has not been reported in the published literature. The frequency of this variant in the general population, 0.000023 (3/128714 chromosomes), is uninformative in assessment of its pathogenicity. Analysis of this variant using bioinformatics tools for the prediction of the effect of amino acid changes on protein structure and function yielded predictions that this variant is damaging. Based on the available information, we are unable to determine the clinical significance of this variant.

Sema4
Classification: Uncertain significance for Hereditary cancer-predisposing syndrome. Last evaluated: 2021-08-25. Review status: criteria provided, single submitter. Criteria: Sema4 Curation Guidelines. Collection method: curation. Allele origin: germline.
Comment: The NTHL1 c.276G>C (p.W92C) variant has not been reported in the literature to our knowledge. It was observed in 2/24930 chromosomes of the African/African American subpopulation in the large and broad cohorts of the Genome Aggregation Database (PMID: 32461654). The variant has been reported in ClinVar (Variation ID 656073). Functional studies have not been performed, and in silico predictions of the variant's effect on protein function are inconclusive. The evidence is insufficient to meet ACMG/AMP criteria for classifying the variant as benign or pathogenic. Thus, the clinical significance of this variant is currently uncertain.

Literature cited by the submitters: PubMed 37834005 (cited by Labcorp Genetics (formerly Invitae), Labcorp).

NM_002528.7(NTHL1):c.252G>C (p.Trp84Cys)

Gene: NTHL1 (nth like DNA glycosylase 1; minus strand). Cytogenetic location: 16p13.3.
Variant type: single nucleotide variant.
Coding change: c.252G>C on transcript NM_002528.7 (MANE Select); coding-DNA position 252, G replaced by C.
Protein change: p.Trp84Cys; replaces tryptophan 84 with cysteine.
Molecular consequence: missense variant. On other transcripts: intron variant (1).
Genome position (GRCh38, 1-based): chr16:2,046,230, C>G on the plus strand (G>C on the coding strand, the complement: NTHL1 is on the minus strand). VCF-style: chr16-2046230-C-G. GRCh37 (hg19) VCF-style: chr16-2096231-C-G.
Other names: c.252G>C, p.Trp84Cys (LRG_1366t1, NM_001318193.2); c.24+50G>C (NM_001318194.2); short protein forms W84C.
Identifiers: ClinVar variation 656073 (VCV000656073.15), dbSNP rs372698989, ClinGen allele CA7828337.
Genomic context (GRCh38, chr16:2,046,230, plus strand): 5'-ATGGTCCACAGGTGCATCCTTTTTGTTCCTCATGGCACGGATGTTGACCAGCTGTTGCTG[C>G]CAGTCCTGGGGCTCCCAGACTGGCACCTTGAGGGGCTCAGCCCCCTCACCTTTCTCACTG-3'
Protein context (NP_002519.2, residues 74-94): LKVPVWEPQD[Trp84Cys]QQQLVNIRAM